The following is an entry in ClinVar:

ClinVar aggregate classification (germline): Uncertain significance (1 of 4 stars; one submission).

Conditions:
SCN8A-related disorder.

gnomAD v4.1: 1 of 1,613,694 alleles (0.000062%); highest among the groups gnomAD compares: Non-Finnish European, 0.000085%; no homozygotes.

Submission:

3billion
Classification: Uncertain significance for SCN8A-related disorder. Last evaluated: 2025-09-09. Review status: criteria provided, single submitter. Criteria: ACMG Guidelines, 2015. Collection method: clinical testing. Allele origin: germline. Affected: yes.
Comment: The variant is observed at an extremely low frequency in the gnomAD v4.1.0 dataset (total allele frequency: <0.001%). Predicted Consequence/Location: Missense variant In silico tool predictions suggest damaging effect of the variant on gene or gene product [REVEL: 0.76 (>=0.6, sensitivity 0.68 and specificity 0.92); 3Cnet: 0.99 (> 0.75, sensitivity 0.96 and precision 0.92)]. Therefore, this variant is classified as VUS according to the recommendation of ACMG/AMP guideline.

NM_001330260.2(SCN8A):c.4205G>C (p.Gly1402Ala)

Gene: SCN8A (sodium voltage-gated channel alpha subunit 8; plus strand). Cytogenetic location: 12q13.13.
Variant type: single nucleotide variant.
Coding change: c.4205G>C on transcript NM_001330260.2 (MANE Select); coding-DNA position 4205, G replaced by C.
Protein change: p.Gly1402Ala; replaces glycine 1402 with alanine.
Molecular consequence: missense variant.
Genome position (GRCh38, 1-based): chr12:51,786,804, G>C. VCF-style: chr12-51786804-G-C. GRCh37 (hg19) VCF-style: chr12-52180588-G-C.
Other names: c.4082G>C, p.Gly1361Ala (NM_001177984.3, NM_001369788.1); c.4205G>C, p.Gly1402Ala (NM_014191.4); short protein forms G1361A, G1402A.
Identifiers: ClinVar variation 4855527 (VCV004855527.1).